The following is an entry in ClinVar:

ClinVar aggregate classification (germline): Uncertain significance (1 of 4 stars; one submission).

Conditions:
Global developmental delay (DD). Also called: Cognitive delay. Identifiers: MedGen C0557874, HP:0001263. Disease mechanism: loss of function.

Submission:

Clinical Genetics Laboratory, Skane University Hospital Lund
Classification: Uncertain significance for Global developmental delay. Last evaluated: 2026-05-15. Review status: criteria provided, single submitter. Criteria: ACMG Guidelines, 2015. Collection method: clinical testing. Allele origin: de novo. Affected: yes.
Comment: ACMG criteria applied: PS2_supporting, PM2.

NM_001393769.1(MED12L):c.5070C>G (p.Asp1690Glu)

Gene: MED12L (mediator complex subunit 12L; plus strand). Cytogenetic location: 3q25.1.
Variant type: single nucleotide variant.
Coding change: c.5070C>G on transcript NM_001393769.1 (MANE Select); coding-DNA position 5070, C replaced by G.
Protein change: p.Asp1690Glu; replaces aspartic acid 1690 with glutamic acid.
Molecular consequence: missense variant.
Genome position (GRCh38, 1-based): chr3:151,385,173, C>G. VCF-style: chr3-151385173-C-G. GRCh37 (hg19) VCF-style: chr3-151102961-C-G.
Other names: c.4965C>G, p.Asp1655Glu (NM_053002.6); short protein forms D1655E, D1690E.
Identifiers: ClinVar variation 4850856 (VCV004850856.1).